The following is an entry in ClinVar:

NM_000930.5(PLAT):c.1629G>A (p.Pro543=)

Gene: PLAT (plasminogen activator, tissue type; minus strand). Cytogenetic location: 8p11.21.
Variant type: single nucleotide variant.
Coding change: c.1629G>A on transcript NM_000930.5 (MANE Select); coding-DNA position 1629, G replaced by A.
Protein change: p.Pro543=; no amino-acid change (proline 543 retained).
Molecular consequence: synonymous variant.
Genome position (GRCh38, 1-based): chr8:42,176,053, C>T on the plus strand (G>A on the coding strand, the complement: PLAT is on the minus strand). VCF-style: chr8-42176053-C-T. GRCh37 (hg19) VCF-style: chr8-42033571-C-T.
Other names: p.Pro543=; c.1362G>A, p.Pro454= (NM_001319189.2); c.1491G>A, p.Pro497= (NM_033011.4).
Identifiers: ClinVar variation 712061 (VCV000712061.5), dbSNP rs141151565, ClinGen allele CA4730921.

ClinVar aggregate classification (germline): Likely benign. Review status: criteria provided, multiple submitters, no conflicts (2 of 4 stars). 2 submissions from 2 submitters: Likely benign (2). Last evaluated 2025-05-20.

Allele frequency attached by ClinVar (database versions not stated): gnomAD exomes 0.00087; ESP Exome Variant Server 0.00085; ExAC 0.00092; gnomAD 0.00095 and 0.00094; 1000 Genomes Project 30x 0.00016; 1000 Genomes Project 0.00020; TOPMed 0.00090.
gnomAD v4.1: 1,805 of 1,614,018 alleles (0.11%); highest among the groups gnomAD compares: South Asian, 0.17%; 2 homozygotes.

Submissions (2):

Mayo Clinic Laboratories, Mayo Clinic
Classification: Likely benign. Last evaluated: 2025-05-20. Review status: criteria provided, single submitter. Criteria: ACMG Guidelines, 2015. Collection method: clinical testing. Allele origin: germline. Observed: 2 variant alleles.
Comment: BP4, BP7

Labcorp Genetics (formerly Invitae), Labcorp
Classification: Likely benign. Last evaluated: 2019-12-31. Review status: criteria provided, single submitter. Criteria: Invitae Variant Classification Sherloc (09022015). Collection method: clinical testing. Allele origin: germline.